The following is an entry in ClinVar:

ClinVar aggregate classification (germline): Benign/Likely benign. Review status: criteria provided, multiple submitters, no conflicts (2 of 4 stars). 3 submissions from 3 submitters: Benign (2); Likely benign (1). Last evaluated 2026-07-01.

Allele frequency attached by ClinVar (database versions not stated): 1000 Genomes Project 30x 0.00094; ESP Exome Variant Server 0.00095.
gnomAD v4.1: 3,505 of 1,549,984 alleles (0.23%); highest among the groups gnomAD compares: Admixed American, 0.36%; 7 homozygotes.

Submissions (3):

CeGaT Center for Human Genetics Tuebingen
Classification: Likely benign. Last evaluated: 2026-07-01. Review status: criteria provided, single submitter. Criteria: CeGaT Center For Human Genetics Tuebingen Variant Classification Criteria Version 2. Collection method: clinical testing. Allele origin: germline. Affected: yes. Observed: 1 variant allele.
Comment: HS6ST1: BP4, BP7

Labcorp Genetics (formerly Invitae), Labcorp
Classification: Benign. Last evaluated: 2026-01-28. Review status: criteria provided, single submitter. Criteria: Invitae Variant Classification Sherloc (09022015). Collection method: clinical testing. Allele origin: germline.

Blueprint Genetics
Classification: Benign. Last evaluated: 2024-11-26. Review status: criteria provided, single submitter. Criteria: ACMG Guidelines, 2015. Collection method: clinical testing. Allele origin: germline.

NM_004807.3(HS6ST1):c.75G>C (p.Ser25=)

Gene: HS6ST1 (heparan sulfate 6-O-sulfotransferase 1; minus strand). Cytogenetic location: 2q14.3.
Variant type: single nucleotide variant.
Coding change: c.75G>C on transcript NM_004807.3 (MANE Select); coding-DNA position 75, G replaced by C.
Protein change: p.Ser25=; no amino-acid change (serine 25 retained).
Molecular consequence: synonymous variant.
Genome position (GRCh38, 1-based): chr2:128,318,489, C>G on the plus strand (G>C on the coding strand, the complement: HS6ST1 is on the minus strand). VCF-style: chr2-128318489-C-G. GRCh37 (hg19) VCF-style: chr2-129076063-C-G.
Identifiers: ClinVar variation 2038914 (VCV002038914.6), dbSNP rs370007456, ClinGen allele CA1867695.
Genomic context (GRCh38, chr2:128,318,489, plus strand): 5'-GGGCGCGCCCAGGCTCAGTCCTGGGCCCGCGTACTGGTACAAGATGAGCATGAAGCACAC[C>G]GAGCCCGCCACCACCAGCACGAACTTGCTGGCGCGCTCAACCATGGTCCTGCCGCCGGCG-3'
Protein context (NP_004798.3, residues 15-35): ASKFVLVVAG[Ser25=]VCFMLILYQY